The following is an entry in ClinVar:

NM_014444.5(TUBGCP4):c.28A>G (p.Ser10Gly)

Gene: TUBGCP4 (tubulin gamma complex component 4; plus strand). Cytogenetic location: 15q15.3.
Variant type: single nucleotide variant.
Coding change: c.28A>G on transcript NM_014444.5 (MANE Select); coding-DNA position 28, A replaced by G.
Protein change: p.Ser10Gly; replaces serine 10 with glycine.
Molecular consequence: missense variant.
Genome position (GRCh38, 1-based): chr15:43,371,382, A>G. VCF-style: chr15-43371382-A-G. GRCh37 (hg19) VCF-style: chr15-43663580-A-G.
Other names: c.28A>G, p.Ser10Gly (NM_001286414.3); short protein forms S10G.
Identifiers: ClinVar variation 2012611 (VCV002012611.4), dbSNP rs759876258, ClinGen allele CA7523623.

ClinVar aggregate classification (germline): Uncertain significance (1 of 4 stars; one submission).

Allele frequency attached by ClinVar (database versions not stated): TOPMed below 0.00001; ExAC 0.00001; gnomAD exomes 0.00001.
gnomAD v4.1: 4 of 1,613,806 alleles (0.00025%); highest among the groups gnomAD compares: Non-Finnish European, 0.00034%; no homozygotes.

Submission:

Labcorp Genetics (formerly Invitae), Labcorp
Classification: Uncertain significance. Last evaluated: 2022-11-08. Review status: criteria provided, single submitter. Criteria: Invitae Variant Classification Sherloc (09022015). Collection method: clinical testing. Allele origin: germline.
Comment: This sequence change replaces serine, which is neutral and polar, with glycine, which is neutral and non-polar, at codon 10 of the TUBGCP4 protein (p.Ser10Gly). This variant is present in population databases (rs759876258, gnomAD 0.002%). In summary, the available evidence is currently insufficient to determine the role of this variant in disease. Therefore, it has been classified as a Variant of Uncertain Significance. Advanced modeling of protein sequence and biophysical properties (such as structural, functional, and spatial information, amino acid conservation, physicochemical variation, residue mobility, and thermodynamic stability) performed at Invitae indicates that this missense variant is not expected to disrupt TUBGCP4 protein function. This variant has not been reported in the literature in individuals affected with TUBGCP4-related conditions.